The following is an entry in ClinVar:

ClinVar aggregate classification (germline): Pathogenic/Likely pathogenic. Review status: criteria provided, multiple submitters, no conflicts (2 of 4 stars). 3 submissions from 3 submitters: Pathogenic (1); Likely pathogenic (2). Last evaluated 2025-09-24.

Conditions:
Dilated cardiomyopathy 1G (CMD1G). Identifiers: Orphanet 154, MedGen C1858763, MONDO:0011400, OMIM 604145.
Autosomal recessive limb-girdle muscular dystrophy type 2J (LGMDR10). Also called: MUSCULAR DYSTROPHY, LIMB-GIRDLE, AUTOSOMAL RECESSIVE 10; Limb-girdle muscular dystrophy, type 2J. Identifiers: Orphanet 140922, MedGen C1837342, MONDO:0012127, OMIM 608807.

Allele frequency attached by ClinVar (database versions not stated): TOPMed 0.00001.

Submissions (3):

Labcorp Genetics (formerly Invitae), Labcorp
Classification: Pathogenic for Dilated cardiomyopathy 1G; Autosomal recessive limb-girdle muscular dystrophy type 2J. Last evaluated: 2025-09-24. Review status: criteria provided, single submitter. Criteria: Invitae Variant Classification Sherloc (09022015). Collection method: clinical testing. Allele origin: germline.
Comment: This sequence change affects a donor splice site in intron 331 of the TTN gene. It is expected to disrupt RNA splicing and likely results in a truncated or disrupted TTN protein. This variant is not present in population databases (gnomAD no frequency). Disruption of this splice site has been observed in individuals with dilated cardiomyopathy (internal data). ClinVar contains an entry for this variant (Variation ID: 196149). Algorithms developed to predict the effect of sequence changes on RNA splicing suggest that this variant may disrupt the consensus splice site. This variant is located in the A band of TTN (PMID: 25589632). Truncating variants in this region are significantly overrepresented in patients affected with dilated cardiomyopathy (PMID: 25589632). Truncating variants in this region have also been reported in individuals affected with autosomal recessive centronuclear myopathy (PMID: 23975875). For these reasons, this variant has been classified as Pathogenic.

GeneDx
Classification: Likely pathogenic. Last evaluated: 2025-02-02. Review status: criteria provided, single submitter. Criteria: GeneDx Variant Classification Process June 2021. Collection method: clinical testing. Allele origin: germline. Affected: yes.
Comment: Canonical splice site variant predicted to result in an in-frame loss of the adjacent exon in a gene for which loss of function is a known mechanism of disease; Located in the A-band, a region of TTN for which truncating variants are significantly associated with autosomal dominant cardiomyopathy and also with autosomal recessive skeletal myopathies (PMID: 22335739, 32778822); Not observed at significant frequency in large population cohorts (gnomAD); Has not been previously published as pathogenic or benign to our knowledge; This variant is associated with the following publications: (PMID: 22335739, 32778822)

Eurofins Ntd Llc (ga)
Classification: Likely pathogenic. Last evaluated: 2014-12-16. Review status: criteria provided, single submitter. Criteria: EGL Classification Definitions 2015. Collection method: clinical testing. Allele origin: germline. Observed: 2 variant alleles, 2 heterozygotes.

Literature cited by the submitters: PubMed 25589632 (cited by Labcorp Genetics (formerly Invitae), Labcorp); PubMed 23975875 (cited by Labcorp Genetics (formerly Invitae), Labcorp).

NM_001267550.2(TTN):c.88594+1G>T

Genes: TTN (titin; minus strand), TTN-AS1 (TTN antisense RNA 1; plus strand). Cytogenetic location: 2q31.2.
Variant type: single nucleotide variant.
Coding change: c.88594+1G>T on transcript NM_001267550.2 (MANE Select); the canonical splice donor site of the intron after coding-DNA position 88594, G replaced by T.
Molecular consequence: splice donor variant.
Genome position (GRCh38, 1-based): chr2:178,554,864, C>A on the plus strand (G>T on the coding strand, the complement: TTN is on the minus strand). VCF-style: chr2-178554864-C-A. GRCh37 (hg19) VCF-style: chr2-179419591-C-A.
Other names: c.61399+1G>T (NM_003319.4); c.61975+1G>T (NM_133437.4); c.61774+1G>T (NM_133432.3); c.80890+1G>T (NM_133378.4); c.83671+1G>T (NM_001256850.1).
Identifiers: ClinVar variation 196149 (VCV000196149.13), dbSNP rs794727467, ClinGen allele CA275153.
Genomic context (GRCh38, chr2:178,554,864, plus strand): 5'-GTTCAAAATTACTAAGCTTTAGGCAAATGTAATATGACAGTGGTCTGTATTCAGCACCTA[C>A]CAAGGATCTGTACTCTGATGGTGGCTGAGGCTGAGCCCATGGCATTCCTTAGTTTTAATT-3'